The following is an entry in ClinVar:

ClinVar aggregate classification (germline): Uncertain significance. Review status: criteria provided, multiple submitters, no conflicts (2 of 4 stars). 2 submissions from 2 submitters: Uncertain significance (2). Last evaluated 2025-09-08.

Conditions:
Inborn genetic diseases. Identifiers: MedGen C0950123, MeSH D030342.

Allele frequency attached by ClinVar (database versions not stated): TOPMed 0.00013; gnomAD 0.00016; ExAC 0.00018.
gnomAD v4.1: 229 of 1,550,380 alleles (0.015%); highest among the groups gnomAD compares: Non-Finnish European, 0.018%; 1 homozygote.

Submissions (2):

Labcorp Genetics (formerly Invitae), Labcorp
Classification: Uncertain significance. Last evaluated: 2025-09-08. Review status: criteria provided, single submitter. Criteria: Invitae Variant Classification Sherloc (09022015). Collection method: clinical testing. Allele origin: germline.
Comment: This sequence change replaces glutamic acid, which is acidic and polar, with valine, which is neutral and non-polar, at codon 14 of the TRAPPC12 protein (p.Glu14Val). This variant is present in population databases (rs760340783, gnomAD 0.02%). This variant has not been reported in the literature in individuals affected with TRAPPC12-related conditions. ClinVar contains an entry for this variant (Variation ID: 2197518). Experimental studies and prediction algorithms are not available or were not evaluated, and the functional significance of this variant is currently unknown. In summary, the available evidence is currently insufficient to determine the role of this variant in disease. Therefore, it has been classified as a Variant of Uncertain Significance.

Ambry Genetics
Classification: Uncertain significance for Inborn genetic diseases. Last evaluated: 2023-03-24. Review status: criteria provided, single submitter. Criteria: Ambry Variant Classification Scheme 2023. Collection method: clinical testing. Allele origin: germline.

NM_016030.6(TRAPPC12):c.41A>T (p.Glu14Val)

Gene: TRAPPC12 (trafficking protein particle complex subunit 12; plus strand). Cytogenetic location: 2p25.3.
Variant type: single nucleotide variant.
Coding change: c.41A>T on transcript NM_016030.6 (MANE Select); coding-DNA position 41, A replaced by T.
Protein change: p.Glu14Val; replaces glutamic acid 14 with valine.
Molecular consequence: missense variant.
Genome position (GRCh38, 1-based): chr2:3,387,664, A>T. VCF-style: chr2-3387664-A-T. GRCh37 (hg19) VCF-style: chr2-3391435-A-T.
Other names: c.41A>T, p.Glu14Val (NM_001321102.2); c.41A>T (NM_016030.5); short protein forms E14V.
Identifiers: ClinVar variation 2197518 (VCV002197518.5), dbSNP rs760340783, ClinGen allele CA1514994.